The following is an entry in ClinVar:

ClinVar aggregate classification (germline): Pathogenic. Review status: criteria provided, multiple submitters, no conflicts (2 of 4 stars). 2 submissions from 2 submitters: Pathogenic (2). Last evaluated 2023-05-24.

Conditions:
Hereditary spastic paraplegia 4. Also called: Spastic Paraplegia 4; Spastic paraplegia 4, autosomal dominant; Familial spastic paraplegia autosomal dominant 2. Identifiers: Orphanet 100985, MedGen C1866855, MONDO:0008438, OMIM 182601.

Submissions (2):

Women's Health and Genetics/Laboratory Corporation of America, LabCorp
Classification: Pathogenic for Hereditary spastic paraplegia 4. Last evaluated: 2023-05-24. Review status: criteria provided, single submitter. Criteria: LabCorp Variant Classification Summary - May 2015. Collection method: clinical testing. Allele origin: germline.
Comment: Variant summary: SPAST c.1414-2A>G is located in a canonical splice-site and is predicted to affect mRNA splicing resulting in a significantly altered protein due to either exon skipping, shortening, or inclusion of intronic material. The variant was absent in 251142 control chromosomes. c.1414-2A>G has been reported in the literature in individuals affected with Spastic Paraplegia 4, Autosomal Dominant (Svenson_2001, Meijer_2002, Dufke_2012, Yang_2021). These data indicate that the variant is likely to be associated with disease. To our knowledge, no experimental evidence demonstrating an impact on protein function has been reported. One clinical diagnostic laboratory has submitted clinical-significance assessments for this variant to ClinVar after 2014 without evidence for independent evaluation. One laboratory classified the variant as pathogenic. Based on the evidence outlined above, the variant was classified as pathogenic.

Athena Diagnostics
Classification: Pathogenic. Last evaluated: 2023-02-02. Review status: criteria provided, single submitter. Criteria: Athena Diagnostics Criteria. Collection method: clinical testing. Allele origin: unknown.
Comment: This variant is expected to severely impact normal RNA splicing, and consequently, protein structure and/or function. This variant has not been reported in large, multi-ethnic general populations.

Literature cited by the submitters: PubMed 22552817 (cited by Women's Health and Genetics/Laboratory Corporation of America, LabCorp and Athena Diagnostics); PubMed 11843700 (cited by Women's Health and Genetics/Laboratory Corporation of America, LabCorp and Athena Diagnostics); PubMed 11309678 (cited by Women's Health and Genetics/Laboratory Corporation of America, LabCorp); PubMed 34715294 (cited by Women's Health and Genetics/Laboratory Corporation of America, LabCorp and Athena Diagnostics).

NM_014946.4(SPAST):c.1414-2A>G

Gene: SPAST (spastin; plus strand). Cytogenetic location: 2p22.3.
Variant type: single nucleotide variant.
Coding change: c.1414-2A>G on transcript NM_014946.4 (MANE Select); the canonical splice acceptor site of the intron before coding-DNA position 1414, A replaced by G.
Molecular consequence: splice acceptor variant.
Genome position (GRCh38, 1-based): chr2:32,137,107, A>G. VCF-style: chr2-32137107-A-G. GRCh37 (hg19) VCF-style: chr2-32362176-A-G.
Other names: c.1318-2A>G (NM_199436.2, NM_001377959.1); c.1411-2A>G (NM_001363823.2); c.1315-2A>G (NM_001363875.2).
Identifiers: ClinVar variation 1807001 (VCV001807001.3), dbSNP rs1553318304, ClinGen allele CA346502374.